The following is an entry in ClinVar:

NM_000539.3(RHO):c.570C>G (p.Asp190Glu)

Gene: RHO (rhodopsin; plus strand). Cytogenetic location: 3q22.1.
Variant type: single nucleotide variant.
Coding change: c.570C>G on transcript NM_000539.3 (MANE Select); coding-DNA position 570, C replaced by G.
Protein change: p.Asp190Glu; replaces aspartic acid 190 with glutamic acid.
Molecular consequence: missense variant.
Genome position (GRCh38, 1-based): chr3:129,532,290, C>G. VCF-style: chr3-129532290-C-G. GRCh37 (hg19) VCF-style: chr3-129251133-C-G.
Other names: short protein forms D190E.
Identifiers: ClinVar variation 961508 (VCV000961508.10), dbSNP rs2084785890, ClinGen allele CA354499320.
Genomic context (GRCh38, chr3:129,532,290, plus strand): 5'-TCCCTACCTGCCTGTCCTCAGGTACATCCCCGAGGGCCTGCAGTGCTCGTGTGGAATCGA[C>G]TACTACACGCTCAAGCCGGAGGTCAACAACGAGTCTTTTGTCATCTACATGTTCGTGGTC-3'
Protein context (NP_000530.1, residues 180-200): PEGLQCSCGI[Asp190Glu]YYTLKPEVNN

ClinVar aggregate classification (germline): Pathogenic/Likely pathogenic. Review status: criteria provided, multiple submitters, no conflicts (2 of 4 stars). 2 submissions from 2 submitters: Pathogenic (1); Likely pathogenic (1). Last evaluated 2023-10-23.

Conditions:
RHO-related disorder. Also called: RHO-related condition.

Submissions (2):

Labcorp Genetics (formerly Invitae), Labcorp
Classification: Pathogenic. Last evaluated: 2023-10-23. Review status: criteria provided, single submitter. Criteria: Invitae Variant Classification Sherloc (09022015). Collection method: clinical testing. Allele origin: germline.
Comment: This sequence change replaces aspartic acid, which is acidic and polar, with glutamic acid, which is acidic and polar, at codon 190 of the RHO protein (p.Asp190Glu). This variant is not present in population databases (gnomAD no frequency). This missense change has been observed in individuals with clinical features of autosomal dominant retinitis pigmentosa (Invitae). ClinVar contains an entry for this variant (Variation ID: 961508). Advanced modeling of protein sequence and biophysical properties (such as structural, functional, and spatial information, amino acid conservation, physicochemical variation, residue mobility, and thermodynamic stability) has been performed at Invitae for this missense variant, however the output from this modeling did not meet the statistical confidence thresholds required to predict the impact of this variant on RHO protein function. Experimental studies have shown that this missense change affects RHO function (PMID: 24520188). This variant disrupts the p.Asp190 amino acid residue in RHO. Other variant(s) that disrupt this residue have been determined to be pathogenic (PMID: 1765377, 24520188). This suggests that this residue is clinically significant, and that variants that disrupt this residue are likely to be disease-causing. For these reasons, this variant has been classified as Pathogenic.

Blueprint Genetics
Classification: Likely pathogenic for RHO-related disorders. Last evaluated: 2023-09-15. Review status: criteria provided, single submitter. Criteria: ACMG Guidelines, 2015. Collection method: clinical testing. Allele origin: germline. Affected: yes. Observed: 1 variant allele.

Literature cited by the submitters: PubMed 24520188 (cited by Labcorp Genetics (formerly Invitae), Labcorp); PubMed 1765377 (cited by Labcorp Genetics (formerly Invitae), Labcorp).